The following is an entry in ClinVar:

NM_006420.3(ARFGEF2):c.3424T>C (p.Phe1142Leu)

Gene: ARFGEF2 (ARF guanine nucleotide exchange factor 2; plus strand). Cytogenetic location: 20q13.13.
Variant type: single nucleotide variant.
Coding change: c.3424T>C on transcript NM_006420.3 (MANE Select); coding-DNA position 3424, T replaced by C.
Protein change: p.Phe1142Leu; replaces phenylalanine 1142 with leucine.
Molecular consequence: missense variant.
Genome position (GRCh38, 1-based): chr20:48,998,497, T>C. VCF-style: chr20-48998497-T-C. GRCh37 (hg19) VCF-style: chr20-47615034-T-C.
Other names: c.3421T>C, p.Phe1141Leu (NM_001410846.1); c.3424T>C (NM_006420.2); short protein forms F1142L, F1141L.
Identifiers: ClinVar variation 2195099 (VCV002195099.5), dbSNP rs2515555092, ClinGen allele CA409314685.

ClinVar aggregate classification (germline): Uncertain significance. Review status: criteria provided, multiple submitters, no conflicts (2 of 4 stars). 2 submissions from 2 submitters: Uncertain significance (2). Last evaluated 2024-12-23.

Conditions:
Inborn genetic diseases. Identifiers: MedGen C0950123, MeSH D030342.

Submissions (2):

Ambry Genetics
Classification: Uncertain significance for Inborn genetic diseases. Last evaluated: 2024-12-23. Review status: criteria provided, single submitter. Criteria: Ambry Variant Classification Scheme 2023. Collection method: clinical testing. Allele origin: germline.

Labcorp Genetics (formerly Invitae), Labcorp
Classification: Uncertain significance. Last evaluated: 2023-11-28. Review status: criteria provided, single submitter. Criteria: Invitae Variant Classification Sherloc (09022015). Collection method: clinical testing. Allele origin: germline.
Comment: This sequence change replaces phenylalanine, which is neutral and non-polar, with leucine, which is neutral and non-polar, at codon 1142 of the ARFGEF2 protein (p.Phe1142Leu). This variant is not present in population databases (gnomAD no frequency). This variant has not been reported in the literature in individuals affected with ARFGEF2-related conditions. ClinVar contains an entry for this variant (Variation ID: 2195099). An algorithm developed to predict the effect of missense changes on protein structure and function (PolyPhen-2) suggests that this variant is likely to be disruptive. In summary, the available evidence is currently insufficient to determine the role of this variant in disease. Therefore, it has been classified as a Variant of Uncertain Significance.